The following is an entry in ClinVar:

ClinVar aggregate classification (germline): Pathogenic (1 of 4 stars; one submission).

Conditions:
Pigmentary pallidal degeneration (NBIA1). Also called: Pantothenate Kinase-Associated Neurodegeneration; Neuroaxonal dystrophy, late infantile; Hallervorden-Spatz disease; HARP SYNDROME; PKAN NEUROAXONAL DYSTROPHY, JUVENILE-ONSET; Neurodegeneration with brain iron accumulation 1. Identifiers: Orphanet 157850, MedGen C0018523, MONDO:0009319, OMIM 234200.

Submission:

Labcorp Genetics (formerly Invitae), Labcorp
Classification: Pathogenic for Pigmentary pallidal degeneration. Last evaluated: 2023-08-04. Review status: criteria provided, single submitter. Criteria: Invitae Variant Classification Sherloc (09022015). Collection method: clinical testing. Allele origin: germline.
Comment: This variant has not been reported in the literature in individuals affected with PANK2-related conditions. This variant is a gross deletion of the genomic region encompassing exon(s) 1-3 of the PANK2 gene, which includes the initiator codon. This deletion extends beyond the assayed region for this gene and therefore may encompass additional genes. It is expected to result in an absent or disrupted protein product. Loss-of-function variants in PANK2 are known to be pathogenic (PMID: 11479594, 12510040). For these reasons, this variant has been classified as Pathogenic.

Literature cited by the submitters: PubMed 11479594; PubMed 12510040.

NC_000020.10:g.(?_3869748)_(3891497_?)del

Gene: PANK2 (pantothenate kinase 2; plus strand). Cytogenetic location: 20p13.
Variant type: Deletion.
Identifiers: ClinVar variation 2427435 (VCV002427435.4).